The following is an entry in ClinVar:

NM_000709.4(BCKDHA):c.1087C>T (p.Arg363Trp)

Gene: BCKDHA (branched chain keto acid dehydrogenase E1 subunit alpha; plus strand). Cytogenetic location: 19q13.2.
Variant type: single nucleotide variant.
Coding change: c.1087C>T on transcript NM_000709.4 (MANE Select); coding-DNA position 1087, C replaced by T.
Protein change: p.Arg363Trp; replaces arginine 363 with tryptophan.
Molecular consequence: missense variant.
Genome position (GRCh38, 1-based): chr19:41,423,089, C>T. VCF-style: chr19-41423089-C-T. GRCh37 (hg19) VCF-style: chr19-41928994-C-T.
Other names: c.1084C>T, p.Arg362Trp (NM_001164783.2); short protein forms R363W, R362W.
Identifiers: ClinVar variation 558581 (VCV000558581.10), dbSNP rs942815730, ClinGen allele CA308525418.

ClinVar aggregate classification (germline): Pathogenic/Likely pathogenic. Review status: criteria provided, multiple submitters, no conflicts (2 of 4 stars). 5 submissions from 5 submitters: Pathogenic (1); Likely pathogenic (2). 2 of the submissions do not count toward it. Last evaluated 2025-04-02.

Conditions:
Maple syrup urine disease (MSUD). Identifiers: Orphanet 511, MedGen C0024776, MeSH D008375, MONDO:0009563. Disease mechanism: loss of function.
Maple syrup urine disease type 1A (MSUD1A). Also called: MSUD type 1A. Identifiers: MedGen C1855369, MONDO:0023691, OMIM 248600.

Allele frequency attached by ClinVar (database versions not stated): gnomAD exomes below 0.00001; gnomAD 0.00002; TOPMed 0.00002.
gnomAD v4.1: 8 of 1,575,278 alleles (0.00051%); highest among the groups gnomAD compares: African/African-American, 0.0027%; no homozygotes.

Submissions (5):

Myriad Genetics, Inc.
Classification: Likely pathogenic for Maple syrup urine disease type 1A. Last evaluated: 2025-04-02. Review status: criteria provided, single submitter. Criteria: Myriad Autosomal Dominant, Autosomal Recessive and X-Linked Classification Criteria (2023). Collection method: clinical testing. Allele origin: unknown.
Comment: NM_000709.3(BCKDHA):c.1087C>T(R363W) is a missense variant classified as likely pathogenic in the context of maple syrup urine disease type Ia. R363W has been observed in cases with relevant disease (PMID: 19480318, 30228974, 33552905, 34738771). Relevant functional assessments of this variant are not available in the literature. R363W has been observed in referenced population frequency databases. In summary, NM_000709.3(BCKDHA):c.1087C>T(R363W) is a missense variant that has been observed more frequently in cases with the relevant disease than in healthy populations. Please note: this variant was assessed in the context of healthy population screening.

Baylor Genetics
Classification: Likely pathogenic for Maple syrup urine disease type 1A. Last evaluated: 2024-01-30. Review status: criteria provided, single submitter. Criteria: ACMG Guidelines, 2015. Collection method: clinical testing. Allele origin: unknown.

Labcorp Genetics (formerly Invitae), Labcorp
Classification: Pathogenic for Maple syrup urine disease. Last evaluated: 2024-01-29. Review status: criteria provided, single submitter. Criteria: Invitae Variant Classification Sherloc (09022015). Collection method: clinical testing. Allele origin: germline.
Comment: This sequence change replaces arginine, which is basic and polar, with tryptophan, which is neutral and slightly polar, at codon 363 of the BCKDHA protein (p.Arg363Trp). The frequency data for this variant in the population databases is considered unreliable, as metrics indicate poor data quality at this position in the gnomAD database. This missense change has been observed in individual(s) with clinical features of maple syrup urine disease (PMID: 19480318, 30228974, 34738771; Invitae). This variant is also known as R318W. ClinVar contains an entry for this variant (Variation ID: 558581). Advanced modeling of protein sequence and biophysical properties (such as structural, functional, and spatial information, amino acid conservation, physicochemical variation, residue mobility, and thermodynamic stability) performed at Invitae indicates that this missense variant is expected to disrupt BCKDHA protein function with a positive predictive value of 95%. For these reasons, this variant has been classified as Pathogenic.

Counsyl
Classification: Uncertain significance for Maple syrup urine disease type 1A. Last evaluated: 2018-05-29. Review status: no assertion criteria provided. Collection method: clinical testing. Allele origin: unknown. Not counted in ClinVar's aggregate classification.

Fulgent Genetics
Classification: Uncertain significance for Maple syrup urine disease type 1A. Last evaluated: 2021-08-28. Review status: flagged submission. Criteria: ACMG Guidelines, 2015. Collection method: clinical testing. Allele origin: unknown. Not counted in ClinVar's aggregate classification.
ClinVar note: Reason: Older claim that does not account for recent evidence

Literature cited by the submitters: PubMed 19480318 (cited by 3 submitters); PubMed 30228974 (cited by Myriad Genetics, Inc. and Labcorp Genetics (formerly Invitae), Labcorp); PubMed 33552905 (cited by Myriad Genetics, Inc.); PubMed 34738771 (cited by Myriad Genetics, Inc. and Labcorp Genetics (formerly Invitae), Labcorp).